The following is an entry in ClinVar:

NM_001367561.1(DOCK7):c.2959G>A (p.Glu987Lys)

Gene: DOCK7 (dedicator of cytokinesis 7; minus strand). Cytogenetic location: 1p31.3.
Variant type: single nucleotide variant.
Coding change: c.2959G>A on transcript NM_001367561.1 (MANE Select); coding-DNA position 2959, G replaced by A.
Protein change: p.Glu987Lys; replaces glutamic acid 987 with lysine.
Molecular consequence: missense variant.
Genome position (GRCh38, 1-based): chr1:62,542,694, C>T on the plus strand (G>A on the coding strand, the complement: DOCK7 is on the minus strand). VCF-style: chr1-62542694-C-T. GRCh37 (hg19) VCF-style: chr1-63008365-C-T.
Other names: c.2959G>A, p.Glu987Lys (NM_001271999.2, NM_001330614.2); c.2866G>A, p.Glu956Lys (NM_001272000.2, NM_001272001.2, NM_033407.4); c.2866G>A (NM_033407.2); short protein forms E956K, E987K.
Identifiers: ClinVar variation 653019 (VCV000653019.8), dbSNP rs540487612, ClinGen allele CA886112.
Genomic context (GRCh38, chr1:62,542,694, plus strand): 5'-GTTGCAAAGCTGATTCCCGAACGCTGCCACTGCAAACAACCCACTGCAAAGCCAGCTCCT[C>T]GTGAAAAAGCTATCCAGAAGTAAATCCAAAGTTATTATCAAAGTCAAATCTGCTGATAAC-3'
Protein context (NP_001354490.1, residues 977-997): GRLPTKKLFH[Glu987Lys]ELALQWVVCS

ClinVar aggregate classification (germline): Uncertain significance. Review status: criteria provided, multiple submitters, no conflicts (2 of 4 stars). 2 submissions from 2 submitters: Uncertain significance (2). Last evaluated 2025-08-02.

Conditions:
Inborn genetic diseases. Identifiers: MedGen C0950123, MeSH D030342.
Developmental and epileptic encephalopathy, 23 (DEE23). Also called: Epileptic encephalopathy, early infantile, 23. Identifiers: Orphanet 411986, MedGen C4014492, MONDO:0014371, OMIM 615859.

Allele frequency attached by ClinVar (database versions not stated): gnomAD 0.00001; gnomAD exomes 0.00001; TOPMed 0.00001; ExAC 0.00002; 1000 Genomes Project 0.00020; 1000 Genomes Project 30x 0.00031.
gnomAD v4.1: 6 of 1,612,536 alleles (0.00037%); highest among the groups gnomAD compares: Admixed American, 0.0017%; no homozygotes.

Submissions (3):

Ambry Genetics
Classification: Uncertain significance for Inborn genetic diseases. Last evaluated: 2025-08-02. Review status: criteria provided, single submitter. Criteria: Ambry Variant Classification Scheme 2023. Collection method: clinical testing. Allele origin: germline.

Labcorp Genetics (formerly Invitae), Labcorp
Classification: Uncertain significance for Developmental and epileptic encephalopathy, 23. Last evaluated: 2021-08-26. Review status: criteria provided, single submitter. Criteria: Invitae Variant Classification Sherloc (09022015). Collection method: clinical testing. Allele origin: germline.
Comment: This sequence change replaces glutamic acid with lysine at codon 987 of the DOCK7 protein (p.Glu987Lys). The glutamic acid residue is highly conserved and there is a small physicochemical difference between glutamic acid and lysine. This variant is present in population databases (rs540487612, ExAC 0.009%). This variant has not been reported in the literature in individuals affected with DOCK7-related conditions. Algorithms developed to predict the effect of missense changes on protein structure and function are either unavailable or do not agree on the potential impact of this missense change (SIFT: "Deleterious"; PolyPhen-2: "Probably Damaging"; Align-GVGD: "Class C0"). In summary, the available evidence is currently insufficient to determine the role of this variant in disease. Therefore, it has been classified as a Variant of Uncertain Significance.

Dr. Peter K. Rogan Lab, Western University
No classification provided (evidence only). Condition: Cervical cancer. Review status: no classification provided. Collection method: in vitro. Allele origin: not applicable. Functional consequence: retained intron. Not counted in ClinVar's aggregate classification.